The following is an entry in ClinVar:

NM_148897.3(SDR9C7):c.711T>A (p.Asp237Glu)

Gene: SDR9C7 (short chain dehydrogenase/reductase family 9C member 7; minus strand). Cytogenetic location: 12q13.3.
Variant type: single nucleotide variant.
Coding change: c.711T>A on transcript NM_148897.3 (MANE Select); coding-DNA position 711, T replaced by A.
Protein change: p.Asp237Glu; replaces aspartic acid 237 with glutamic acid.
Molecular consequence: missense variant.
Genome position (GRCh38, 1-based): chr12:56,929,403, A>T on the plus strand (T>A on the coding strand, the complement: SDR9C7 is on the minus strand). VCF-style: chr12-56929403-A-T. GRCh37 (hg19) VCF-style: chr12-57323187-A-T.
Other names: short protein forms D237E.
Identifiers: ClinVar variation 2180615 (VCV002180615.5), dbSNP rs267603591, ClinGen allele CA237704640.

ClinVar aggregate classification (germline): Conflicting classifications of pathogenicity. Review status: criteria provided, conflicting classifications (1 of 4 stars). 2 submissions from 2 submitters: Uncertain significance (1); Likely benign (1). Last evaluated 2025-04-01.

Conditions:
Inborn genetic diseases. Identifiers: MedGen C0950123, MeSH D030342.

Allele frequency attached by ClinVar (database versions not stated): gnomAD 0.00002; TOPMed 0.00002.
gnomAD v4.1: 12 of 1,604,710 alleles (0.00075%); highest among the groups gnomAD compares: Non-Finnish European, 0.001%; no homozygotes.

Submissions (2):

Ambry Genetics
Classification: Likely benign for Inborn genetic diseases. Last evaluated: 2025-04-01. Review status: criteria provided, single submitter. Criteria: Ambry Variant Classification Scheme 2023. Collection method: clinical testing. Allele origin: germline.

Labcorp Genetics (formerly Invitae), Labcorp
Classification: Uncertain significance. Last evaluated: 2024-04-22. Review status: criteria provided, single submitter. Criteria: Invitae Variant Classification Sherloc (09022015). Collection method: clinical testing. Allele origin: germline.
Comment: This sequence change replaces aspartic acid, which is acidic and polar, with glutamic acid, which is acidic and polar, at codon 237 of the SDR9C7 protein (p.Asp237Glu). This variant is present in population databases (rs267603591, gnomAD 0.007%). This variant has not been reported in the literature in individuals affected with SDR9C7-related conditions. ClinVar contains an entry for this variant (Variation ID: 2180615). Advanced modeling of protein sequence and biophysical properties (such as structural, functional, and spatial information, amino acid conservation, physicochemical variation, residue mobility, and thermodynamic stability) performed at Invitae indicates that this missense variant is not expected to disrupt SDR9C7 protein function with a negative predictive value of 80%. In summary, the available evidence is currently insufficient to determine the role of this variant in disease. Therefore, it has been classified as a Variant of Uncertain Significance.